The following is an entry in ClinVar:

ClinVar aggregate classification (germline): Uncertain significance. Review status: criteria provided, multiple submitters, no conflicts (2 of 4 stars). 2 submissions from 2 submitters: Uncertain significance (2). Last evaluated 2025-05-30.

gnomAD v4.1: 3 of 1,530,168 alleles (0.0002%); highest among the groups gnomAD compares: East Asian, 0.0025%; no homozygotes.

Submissions (2):

GeneDx
Classification: Uncertain significance. Last evaluated: 2025-05-30. Review status: criteria provided, single submitter. Criteria: GeneDx Variant Classification Process June 2021. Collection method: clinical testing. Allele origin: germline.
Comment: Not observed at significant frequency in large population cohorts (gnomAD); In silico analysis supports that this missense variant has a deleterious effect on protein structure/function; Has not been previously published as pathogenic or benign to our knowledge

Labcorp Genetics (formerly Invitae), Labcorp
Classification: Uncertain significance. Last evaluated: 2024-12-18. Review status: criteria provided, single submitter. Criteria: Invitae Variant Classification Sherloc (09022015). Collection method: clinical testing. Allele origin: germline.
Comment: This sequence change replaces histidine, which is basic and polar, with asparagine, which is neutral and polar, at codon 856 of the MYO7A protein (p.His856Asn). The frequency data for this variant in the population databases is considered unreliable, as metrics indicate poor data quality at this position in the gnomAD database. This variant has not been reported in the literature in individuals affected with MYO7A-related conditions. ClinVar contains an entry for this variant (Variation ID: 1800924). Invitae Evidence Modeling of protein sequence and biophysical properties (such as structural, functional, and spatial information, amino acid conservation, physicochemical variation, residue mobility, and thermodynamic stability) indicates that this missense variant is not expected to disrupt MYO7A protein function with a negative predictive value of 95%. In summary, the available evidence is currently insufficient to determine the role of this variant in disease. Therefore, it has been classified as a Variant of Uncertain Significance.

NM_000260.4(MYO7A):c.2566C>A (p.His856Asn)

Gene: MYO7A (myosin VIIA; plus strand). Cytogenetic location: 11q13.5.
Variant type: single nucleotide variant.
Coding change: c.2566C>A on transcript NM_000260.4 (MANE Select); coding-DNA position 2566, C replaced by A.
Protein change: p.His856Asn; replaces histidine 856 with asparagine.
Molecular consequence: missense variant.
Genome position (GRCh38, 1-based): chr11:77,179,933, C>A. VCF-style: chr11-77179933-C-A. GRCh37 (hg19) VCF-style: chr11-76890979-C-A.
Other names: c.2566C>A, p.His856Asn (NM_001127180.2); c.2533C>A, p.His845Asn (NM_001369365.1); short protein forms H845N, H856N.
Identifiers: ClinVar variation 1800924 (VCV001800924.7), dbSNP rs1555082978, ClinGen allele CA381942029.